The following is an entry in ClinVar:

ClinVar aggregate classification (germline): Likely benign (1 of 4 stars; one submission).

Submission:

CeGaT Center for Human Genetics Tuebingen
Classification: Likely benign. Last evaluated: 2025-02-01. Review status: criteria provided, single submitter. Criteria: CeGaT Center For Human Genetics Tuebingen Variant Classification Criteria Version 2. Collection method: clinical testing. Allele origin: germline. Affected: yes. Observed: 1 variant allele.
Comment: ZFHX3: PM4, BS2

NM_006885.4(ZFHX3):c.5238CCAGGC[3] (p.Gln1751_Val1752insAlaGln)

Genes: ZFHX3 (zinc finger homeobox 3; minus strand), ZFHX3-AS1 (ZFHX3 antisense RNA 1; plus strand). Cytogenetic location: 16q22.2.
Variant type: Microsatellite.
Coding change: c.5238CCAGGC[3] on transcript NM_006885.4 (MANE Select); three copies in a row of the 6-base unit CCAGGC starting at c.5238; the reference has two copies in a row; one copy, 6 bases duplicated.
Protein change: p.Gln1751_Val1752insAlaGln.
Genome position (GRCh38, 1-based): chr16:72,797,433-72,797,438, GCCTGG duplicated on the plus strand (CCAGGC on the coding strand, the reverse complement: ZFHX3 is on the minus strand); duplicating any 6 consecutive bases within chr16:72,797,433-72,797,447 gives the same sequence; the position shown is the placement nearest the transcript's 3' end. VCF-style (leftmost placement, unchanged base first): chr16-72797432-A-AGCCTGG. GRCh37 (hg19) VCF-style: chr16-72831331-A-AGCCTGG.
Other names: c.2496CCAGGC[3], p.Gln837_Val838insAlaGln (NM_001164766.2); c.5238CCAGGC[3], p.Gln1751_Val1752insAlaGln (NM_001386735.1).
Identifiers: ClinVar variation 3771278 (VCV003771278.13).